The following is an entry in ClinVar:

ClinVar aggregate classification (germline): Pathogenic/Likely pathogenic. Review status: criteria provided, multiple submitters, no conflicts (2 of 4 stars). 5 submissions from 5 submitters: Pathogenic (1); Likely pathogenic (4). Last evaluated 2025-01-18.

Conditions:
OAT-related disorder. Also called: OAT-related condition.
Ornithine aminotransferase deficiency (GACR). Also called: OKT DEFICIENCY; Ornithine ketoacid aminotransferase deficiency; Gyrate atrophy; Gyrate atrophy of choroid and retina; Girate atrophy of the retina; HYPERORNITHINEMIA WITH GYRATE ATROPHY OF CHOROID AND RETINA. Identifiers: Orphanet 414, MedGen C0018425, MONDO:0009796, OMIM 258870.

Allele frequency attached by ClinVar (database versions not stated): gnomAD exomes below 0.00001; ExAC 0.00001; gnomAD 0.00001.

Submissions (5):

Labcorp Genetics (formerly Invitae), Labcorp
Classification: Pathogenic for Ornithine aminotransferase deficiency. Last evaluated: 2025-01-18. Review status: criteria provided, single submitter. Criteria: Invitae Variant Classification Sherloc (09022015). Collection method: clinical testing. Allele origin: germline.
Comment: This sequence change creates a premature translational stop signal (p.Arg372Lysfs*12) in the OAT gene. While this is not anticipated to result in nonsense mediated decay, it is expected to disrupt the last 68 amino acid(s) of the OAT protein. This variant is present in population databases (rs750535638, gnomAD 0.004%). This variant has not been reported in the literature in individuals affected with OAT-related conditions. ClinVar contains an entry for this variant (Variation ID: 2430383). This variant disrupts a region of the OAT protein in which other variant(s) (p.Arg426*) have been determined to be pathogenic (PMID: 1609808, 23076989, 24429551). This suggests that this is a clinically significant region of the protein, and that variants that disrupt it are likely to be disease-causing. For these reasons, this variant has been classified as Pathogenic.

Fulgent Genetics
Classification: Likely pathogenic for Ornithine aminotransferase deficiency. Last evaluated: 2024-05-30. Review status: criteria provided, single submitter. Criteria: ACMG Guidelines, 2015. Collection method: clinical testing. Allele origin: germline.

Baylor Genetics
Classification: Likely pathogenic for Ornithine aminotransferase deficiency. Last evaluated: 2023-09-07. Review status: criteria provided, single submitter. Criteria: ACMG Guidelines, 2015. Collection method: clinical testing. Allele origin: unknown.

GeneDx
Classification: Likely pathogenic. Last evaluated: 2022-08-25. Review status: criteria provided, single submitter. Criteria: GeneDx Variant Classification Process June 2021. Collection method: clinical testing. Allele origin: germline. Affected: yes.
Comment: Frameshift variant predicted to result in protein truncation, as the last 68 amino acids are replaced with 11 different amino acids, and other loss-of-function variants have been reported downstream in HGMD; Not observed at significant frequency in large population cohorts (gnomAD); Has not been previously published as pathogenic or benign to our knowledge

Blueprint Genetics
Classification: Likely pathogenic for OAT-related disorders. Last evaluated: 2019-02-26. Review status: criteria provided, single submitter. Criteria: ACMG Guidelines, 2015. Collection method: clinical testing. Allele origin: germline. Affected: yes. Observed: 1 variant allele.

Literature cited by the submitters: PubMed 1609808 (cited by Labcorp Genetics (formerly Invitae), Labcorp); PubMed 23076989 (cited by Labcorp Genetics (formerly Invitae), Labcorp); PubMed 24429551 (cited by Labcorp Genetics (formerly Invitae), Labcorp).

NM_000274.4(OAT):c.1112dup (p.Arg372fs)

Gene: OAT (ornithine aminotransferase; minus strand). Cytogenetic location: 10q26.13.
Variant type: Duplication.
Coding change: c.1112dup on transcript NM_000274.4 (MANE Select); coding-DNA position 1112, one base duplicated (T; older notation c.1112dupT).
Protein change: p.Arg372fs; shifts the reading frame from arginine 372.
Molecular consequence: frameshift variant.
Genome position (GRCh38, 1-based): chr10:124,400,887, A duplicated on the plus strand (T on the coding strand, the reverse complement: OAT is on the minus strand). VCF-style (leftmost placement, unchanged base first): chr10-124400886-T-TA. GRCh37 (hg19) VCF-style: chr10-126089455-T-TA.
Other names: c.698dup, p.Arg234fs (NM_001171814.2); c.1112dup, p.Arg372fs (NM_001322965.2, NM_001322966.2, NM_001322967.2 and 3 more transcripts); c.791dup, p.Arg265fs (NM_001322971.2); c.512dup, p.Arg172fs (NM_001322974.2); short protein forms R172fs, R234fs, R265fs, R372fs.
Identifiers: ClinVar variation 2430383 (VCV002430383.6), dbSNP rs750535638, ClinGen allele CA5733328.